The following is an entry in ClinVar:

ClinVar aggregate classification (germline): Uncertain significance. Review status: criteria provided, multiple submitters, no conflicts (2 of 4 stars). 2 submissions from 2 submitters: Uncertain significance (2). Last evaluated 2024-12-16.

Conditions:
Pyruvate dehydrogenase E2 deficiency (PDHDD). Also called: Dihydrolipoamide Acetyltransferase (E2) Deficiency; LACTIC ACIDEMIA DUE TO DEFECT OF E2 LIPOYL TRANSACETYLASE OF THE PYRUVATE DEHYDROGENASE COMPLEX. Identifiers: Orphanet 765, Orphanet 79244, MedGen C1855565, MONDO:0009502, OMIM 245348.

Submissions (2):

GeneDx
Classification: Uncertain significance. Last evaluated: 2024-12-16. Review status: criteria provided, single submitter. Criteria: GeneDx Variant Classification Process June 2021. Collection method: clinical testing. Allele origin: germline. Affected: yes.
Comment: Not observed at significant frequency in large population cohorts (gnomAD); In silico analysis indicates that this missense variant does not alter protein structure/function; Has not been previously published as pathogenic or benign to our knowledge

Labcorp Genetics (formerly Invitae), Labcorp
Classification: Uncertain significance for Pyruvate dehydrogenase E2 deficiency. Last evaluated: 2023-12-22. Review status: criteria provided, single submitter. Criteria: Invitae Variant Classification Sherloc (09022015). Collection method: clinical testing. Allele origin: germline.
Comment: This sequence change replaces alanine, which is neutral and non-polar, with threonine, which is neutral and polar, at codon 328 of the DLAT protein (p.Ala328Thr). This variant is not present in population databases (gnomAD no frequency). This variant has not been reported in the literature in individuals affected with DLAT-related conditions. ClinVar contains an entry for this variant (Variation ID: 1478515). Advanced modeling of protein sequence and biophysical properties (such as structural, functional, and spatial information, amino acid conservation, physicochemical variation, residue mobility, and thermodynamic stability) performed at Invitae indicates that this missense variant is not expected to disrupt DLAT protein function with a negative predictive value of 80%. In summary, the available evidence is currently insufficient to determine the role of this variant in disease. Therefore, it has been classified as a Variant of Uncertain Significance.

NM_001931.5(DLAT):c.982G>A (p.Ala328Thr)

Gene: DLAT (dihydrolipoamide S-acetyltransferase; plus strand). Cytogenetic location: 11q23.1.
Variant type: single nucleotide variant.
Coding change: c.982G>A on transcript NM_001931.5 (MANE Select); coding-DNA position 982, G replaced by A.
Protein change: p.Ala328Thr; replaces alanine 328 with threonine.
Molecular consequence: missense variant. On other transcripts: non-coding transcript variant (1).
Genome position (GRCh38, 1-based): chr11:112,039,250, G>A. VCF-style: chr11-112039250-G-A. GRCh37 (hg19) VCF-style: chr11-111909974-G-A.
Other names: c.982G>A, p.Ala328Thr (NM_001372031.1, NM_001372032.1, NM_001372033.1 and 1 more transcripts); c.949G>A, p.Ala317Thr (NM_001372034.1); c.856G>A, p.Ala286Thr (NM_001372036.1); c.814G>A, p.Ala272Thr (NM_001372037.1); c.703G>A, p.Ala235Thr (NM_001372038.1); c.667G>A, p.Ala223Thr (NM_001372039.1, NM_001372041.1); c.601G>A, p.Ala201Thr (NM_001372040.1); c.520G>A, p.Ala174Thr (NM_001372042.1); and 1 more; short protein forms A317T, A174T, A272T, A286T, A328T, A201T, A223T, A235T.
Identifiers: ClinVar variation 1478515 (VCV001478515.7), dbSNP rs1862931114, ClinGen allele CA382609242.